The following is an entry in ClinVar:

ClinVar aggregate classification (germline): Likely benign. Review status: criteria provided, multiple submitters, no conflicts (2 of 4 stars). 3 submissions from 3 submitters: Likely benign (2). 1 of the submissions does not count toward it. Last evaluated 2022-03-11.

Conditions:
LZTFL1-related disorder. Also called: LZTFL1-related condition.

Allele frequency attached by ClinVar (database versions not stated): gnomAD exomes 0.00001; TOPMed 0.00001.
gnomAD v4.1: 13 of 1,614,030 alleles (0.00081%); highest among the groups gnomAD compares: Non-Finnish European, 0.0011%; no homozygotes.

Submissions (3):

Labcorp Genetics (formerly Invitae), Labcorp
Classification: Likely benign. Last evaluated: 2022-03-11. Review status: criteria provided, single submitter. Criteria: Invitae Variant Classification Sherloc (09022015). Collection method: clinical testing. Allele origin: germline.

Blueprint Genetics
Classification: Likely benign. Last evaluated: 2021-09-07. Review status: criteria provided, single submitter. Criteria: ACMG Guidelines, 2015. Collection method: clinical testing. Allele origin: germline.

PreventionGenetics, part of Exact Sciences
Classification: Likely benign for LZTFL1-related condition. Last evaluated: 2023-01-16. Review status: no assertion criteria provided. Collection method: clinical testing. Allele origin: germline. Not counted in ClinVar's aggregate classification.
Comment: This variant is classified as likely benign based on ACMG/AMP sequence variant interpretation guidelines (Richards et al. 2015 PMID: 25741868, with internal and published modifications).

NM_020347.4(LZTFL1):c.303C>T (p.Asp101=)

Gene: LZTFL1 (leucine zipper transcription factor like 1; minus strand). Cytogenetic location: 3p21.31.
Variant type: single nucleotide variant.
Coding change: c.303C>T on transcript NM_020347.4 (MANE Select); coding-DNA position 303, C replaced by T.
Protein change: p.Asp101=; no amino-acid change (aspartic acid 101 retained).
Molecular consequence: synonymous variant. On other transcripts: non-coding transcript variant (2).
Genome position (GRCh38, 1-based): chr3:45,835,610, G>A on the plus strand (C>T on the coding strand, the complement: LZTFL1 is on the minus strand). VCF-style: chr3-45835610-G-A. GRCh37 (hg19) VCF-style: chr3-45877102-G-A.
Other names: c.303C>T (NM_020347.3); c.252C>T, p.Asp84= (NM_001276378.2, NM_001386451.1, NM_001405922.1 and 4 more transcripts); c.291C>T, p.Asp97= (NM_001276379.2, NM_001405921.1); c.303C>T, p.Asp101= (NM_001386452.1, NM_001405924.1); c.327C>T, p.Asp109= (NM_001405920.1, NM_001405925.1).
Identifiers: ClinVar variation 1964607 (VCV001964607.8), dbSNP rs890715711, ClinGen allele CA73638781.